The following is an entry in ClinVar:

NM_203288.2(RP9):c.215C>T (p.Pro72Leu)

Gene: RP9 (RP9 pre-mRNA splicing factor; minus strand). Cytogenetic location: 7p14.3.
Variant type: single nucleotide variant.
Coding change: c.215C>T on transcript NM_203288.2 (MANE Select); coding-DNA position 215, C replaced by T.
Protein change: p.Pro72Leu; replaces proline 72 with leucine.
Molecular consequence: missense variant.
Genome position (GRCh38, 1-based): chr7:33,099,405, G>A on the plus strand (C>T on the coding strand, the complement: RP9 is on the minus strand). VCF-style: chr7-33099405-G-A. GRCh37 (hg19) VCF-style: chr7-33139017-G-A.
Other names: short protein forms P72L.
Identifiers: ClinVar variation 4733027 (VCV004733027.1).

ClinVar aggregate classification (germline): Uncertain significance (1 of 4 stars; one submission).

Submission:

Labcorp Genetics (formerly Invitae), Labcorp
Classification: Uncertain significance. Last evaluated: 2025-12-11. Review status: criteria provided, single submitter. Criteria: Invitae Variant Classification Sherloc (09022015). Collection method: clinical testing. Allele origin: germline.
Comment: This sequence change replaces proline, which is neutral and non-polar, with leucine, which is neutral and non-polar, at codon 72 of the RP9 protein (p.Pro72Leu). This variant is not present in population databases (gnomAD no frequency). This variant has not been reported in the literature in individuals affected with RP9-related conditions. An algorithm developed to predict the effect of missense changes on protein structure and function (PolyPhen-2) suggests that this variant is likely to be disruptive. In summary, the available evidence is currently insufficient to determine the role of this variant in disease. Therefore, it has been classified as a Variant of Uncertain Significance.